The following is an entry in ClinVar:

ClinVar aggregate classification (germline): Uncertain significance (1 of 4 stars; one submission).

Submission:

Labcorp Genetics (formerly Invitae), Labcorp
Classification: Uncertain significance. Last evaluated: 2022-07-31. Review status: criteria provided, single submitter. Criteria: Invitae Variant Classification Sherloc (09022015). Collection method: clinical testing. Allele origin: germline.
Comment: Algorithms developed to predict the effect of sequence changes on RNA splicing suggest that this variant may disrupt the consensus splice site. In summary, the available evidence is currently insufficient to determine the role of this variant in disease. Therefore, it has been classified as a Variant of Uncertain Significance. This variant is also known as c.810+1del. This variant has not been reported in the literature in individuals affected with SEMA4A-related conditions. This variant is not present in population databases (gnomAD no frequency). This sequence change creates a premature translational stop signal (p.Asn271Metfs*17) in the SEMA4A gene. It is expected to result in an absent or disrupted protein product. However, the current clinical and genetic evidence is not sufficient to establish whether loss-of-function variants in SEMA4A cause disease.

NM_022367.4(SEMA4A):c.810+1del

Gene: SEMA4A (semaphorin 4A; plus strand). Cytogenetic location: 1q22.
Variant type: Deletion.
Coding change: c.810+1del on transcript NM_022367.4 (MANE Select); the canonical splice donor site of the intron after coding-DNA position 810, one base deleted (G; older notation c.810+1delG).
Molecular consequence: splice donor variant.
Genome position (GRCh38, 1-based): chr1:156,161,030, G deleted; the last of 2 consecutive G bases (chr1:156,161,029-156,161,030); deleting either gives the same sequence. VCF-style (leftmost placement, unchanged base first): chr1-156161028-AG-A. GRCh37 (hg19) VCF-style: chr1-156130819-AG-A.
Other names: c.303+1del (NM_001370571.1, NM_001370569.1); c.810+1del (NM_001193300.2, NM_001193301.2, NM_001370567.1); c.513+1del (NM_001370568.1); c.414+1del (NM_001193302.2).
Identifiers: ClinVar variation 2069395 (VCV002069395.4), dbSNP rs2528166886, ClinGen allele CA2580061178.